The following is an entry in ClinVar:

ClinVar aggregate classification (germline): Pathogenic. Review status: criteria provided, multiple submitters, no conflicts (2 of 4 stars). 9 submissions from 9 submitters: Pathogenic (8). 1 of the submissions does not count toward it. Last evaluated 2026-09-02.

Conditions:
COL2A1-related disorder. Also called: COL2A1-related condition; COL2A1-related disorders.
Stickler syndrome. Identifiers: Orphanet 828, MedGen C0265253, MONDO:0019354.
Type 2 collagenopathy. Identifiers: Orphanet 93421, MedGen C2931073, MONDO:0022800.
Stickler syndrome type 1 (STL1). Also called: ARTHROOPHTHALMOPATHY, HEREDITARY PROGRESSIVE; STICKLER SYNDROME, MEMBRANOUS VITREOUS TYPE; STICKLER SYNDROME, VITREOUS TYPE 1; COL2A1-Related Stickler Syndrome. Identifiers: Orphanet 828, Orphanet 90653, MedGen C2020284, MONDO:0007160, OMIM 108300.

Allele frequency attached by ClinVar (database versions not stated): gnomAD exomes below 0.00001.
gnomAD v4.1: 1 of 1,613,234 alleles (0.000062%); highest among the groups gnomAD compares: Non-Finnish European, 0.000085%; no homozygotes.

Submissions (9):

PreventionGenetics, part of Exact Sciences
Classification: Pathogenic for COL2A1-related condition. Last evaluated: 2026-09-02. Review status: criteria provided, single submitter. Criteria: ACMG Guidelines, 2015. Collection method: clinical testing. Allele origin: germline.
Comment: The COL2A1 c.2794C>T variant is predicted to result in premature protein termination (p.Arg932*). This variant has been reported as segregating with disease in a three generation kindred with Stickler syndrome (reported as codon 732, Ahmad et al. 1991. PubMed ID: 1677770). This variant has also been reported in two separate cohort studies of early onset high myopia (Table S1, Sun et al. 2015. PubMed ID: 26747767; Table S1, Haarman et al. 2022. PubMed ID: 35567543). This variant is absent in a large population database (gnomAD), indicating this variant is rare. Nonsense variants in COL2A1 are an established mechanism of disease. This variant is interpreted as pathogenic.

Labcorp Genetics (formerly Invitae), Labcorp
Classification: Pathogenic. Last evaluated: 2025-09-09. Review status: criteria provided, single submitter. Criteria: Invitae Variant Classification Sherloc (09022015). Collection method: clinical testing. Allele origin: germline.
Comment: This sequence change creates a premature translational stop signal (p.Arg932*) in the COL2A1 gene. It is expected to result in an absent or disrupted protein product. Loss-of-function variants in COL2A1 are known to be pathogenic (PMID: 20179744). This variant is not present in population databases (gnomAD no frequency). This premature translational stop signal has been observed in individual(s) with autosomal dominant Stickler syndrome and/or high myopia (PMID: 1677770, 12544472, 26747767). It has also been observed to segregate with disease in related individuals. ClinVar contains an entry for this variant (Variation ID: 17355). For these reasons, this variant has been classified as Pathogenic.

Division of Genetic & Genomic Pathology, Hong Kong Children's Hospital
Classification: Pathogenic for Type 2 collagenopathy. Last evaluated: 2025-04-15. Review status: criteria provided, single submitter. Criteria: ACMG Guidelines, 2015. Collection method: clinical testing. Allele origin: germline. Affected: yes.
Comment: COL2A1 c.2794C>T p.(Arg932*) is a nonsense variant in exon 42 of 54 of the COL2A1 gene. The variant is predicted introduce a premature stop codon, causing loss of normal protein function either by protein truncation or by nonsense-mediated mRNA decay. The variant is very rare in population control databases (1 in 1,613,234 alleles in gnomAD v4.1.0). It has been submitted as pathogenic for Stickler syndrome to ClinVar (ID: 17355). COL2A1 c.2794C>T p.(Arg932*) has been demonstrated to cosegregate with disease in pedigrees with Stickler syndrome (PMID: 1677770). It has been reported to have arisen de novo in a separate proband with Stickler syndrome (PMID: 35567543). For these reasons, COL2A1 c.2794C>T p.(Arg932*) is curated as a pathogenic variant.

Cambridge Genomics Laboratory, East Genomic Laboratory Hub, NHS Genomic Medicine Service
Classification: Pathogenic for Stickler syndrome. Last evaluated: 2025-03-03. Review status: criteria provided, single submitter. Criteria: ACGS Best Practice Guidelines for Variant Classification in Rare Disease 2020. Collection method: clinical testing. Allele origin: germline. Affected: yes.
Comment: PVS1,PS4_Moderate,PM2,PM6

GeneDx
Classification: Pathogenic. Last evaluated: 2022-02-18. Review status: criteria provided, single submitter. Criteria: GeneDx Variant Classification Process June 2021. Collection method: clinical testing. Allele origin: germline. Affected: yes.
Comment: Reported in ClinVar as a pathogenic variant (ClinVar Variant ID# 17355; ClinVar); Not observed in large population cohorts (gnomAD); Nonsense variant predicted to result in protein truncation or nonsense mediated decay in a gene for which loss-of-function is a known mechanism of disease; This variant is associated with the following publications: (PMID: 26747767, 1677770, 32756486, 31758797)

Blueprint Genetics
Classification: Pathogenic for COL2A1-related disorders. Last evaluated: 2022-02-07. Review status: criteria provided, single submitter. Criteria: ACMG Guidelines, 2015. Collection method: clinical testing. Allele origin: germline. Affected: yes. Observed: 2 variant alleles.

Eurofins Ntd Llc (ga)
Classification: Pathogenic. Last evaluated: 2018-02-23. Review status: criteria provided, single submitter. Criteria: EGL ClinVar v180209 classification definitions. Collection method: clinical testing. Allele origin: germline. Observed: 1 variant allele, 1 heterozygote.

Juno Genomics, Hangzhou Juno Genomics, Inc
Classification: Pathogenic for Stickler syndrome type 1. Review status: criteria provided, single submitter. Criteria: ACMG Guidelines, 2015. Collection method: clinical testing. Allele origin: germline. Affected: yes.
Comment: Absent from controls (or at extremely low frequency if recessive) in Genome Aggregation Database, Exome Sequencing Project, 1000 Genomes Project, or Exome Aggregation Consortium.;Null variant in a gene where loss of function (LOF) is a known mechanism of disease.;The prevalence of the variant in affected individuals is significantly increased compared to the prevalence in controls.;Patient's phenotype or family history is highly specific for a disease with a single genetic etiology.

OMIM
Classification: Pathogenic for STICKLER SYNDROME, TYPE I. Last evaluated: 1991-08-01. Review status: no assertion criteria provided. Collection method: literature only. Allele origin: germline. Not counted in ClinVar's aggregate classification.

Literature cited by the submitters: PubMed 20179744 (cited by Labcorp Genetics (formerly Invitae), Labcorp); PubMed 1677770 (cited by 4 submitters); PubMed 12544472 (cited by Labcorp Genetics (formerly Invitae), Labcorp); PubMed 26747767 (cited by Labcorp Genetics (formerly Invitae), Labcorp); PubMed 35567543 (cited by Division of Genetic & Genomic Pathology, Hong Kong Children's Hospital); Ahmad, N. N., Ala-Kokko, L., Knowlton, R. G., Weaver, E. J., Maguire, J. I., Tasman, W., Prockop, D. J. A stop codon in the gene for type II procollagen (COL2A1) causes one variant of arthro-ophthalmopathy (the Stickler syndrome). (Abstract) Am. J. Hum. Genet. 47 (suppl.): A206-only, 1990. (cited by OMIM).

NM_001844.5(COL2A1):c.2794C>T (p.Arg932Ter)

Gene: COL2A1 (collagen type II alpha 1 chain; minus strand). Cytogenetic location: 12q13.11.
Variant type: single nucleotide variant.
Coding change: c.2794C>T on transcript NM_001844.5 (MANE Select); coding-DNA position 2794, C replaced by T.
Protein change: p.Arg932Ter; replaces arginine 932 with a stop codon.
Molecular consequence: nonsense.
Genome position (GRCh38, 1-based): chr12:47,978,698, G>A on the plus strand (C>T on the coding strand, the complement: COL2A1 is on the minus strand). VCF-style: chr12-47978698-G-A. GRCh37 (hg19) VCF-style: chr12-48372481-G-A.
Other names: R732*; c.2587C>T, p.Arg863Ter (NM_033150.3); short protein forms R863*, R932*.
Identifiers: ClinVar variation 17355 (VCV000017355.20), dbSNP rs121912866, ClinGen allele CA281739.